The following is an entry in ClinVar:

ClinVar aggregate classification (germline): Uncertain significance (1 of 4 stars; one submission).

Submission:

ISCA site 15
Classification: Uncertain significance. Last evaluated: 2011-08-12. Review status: criteria provided, single submitter. Criteria: Kaminsky et al. (Genet Med. 2011). Collection method: clinical testing. Allele origin: maternal. Affected: yes. Observed: 1 variant allele.
Comment: Copy number variation identified through the course of routine clinical cytogenomic testing in postnatal populations. Clinical assertions have been curated as described in Kaminsky et al. 2011.

GRCh38/hg38 7q36.3(chr7:158703702-159117047)x3

Genes: DYNC2I1 (dynein 2 intermediate chain 1; plus strand), ESYT2 (extended synaptotagmin 2; minus strand), LINC00689 (long intergenic non-protein coding RNA 689; plus strand), NCAPG2 (non-SMC condensin II complex subunit G2; minus strand), VIPR2 (vasoactive intestinal peptide receptor 2; minus strand) and 20 more. Cytogenetic location: 7q36.3.
Variant type: copy number gain.
Change: copy number 3 (three copies instead of two) of chr7:158,703,702-159,117,047 (413.3 kb, GRCh38 coordinates, 1-based), cytogenetic band 7q36.3.
Identifiers: ClinVar variation 58376 (VCV000058376.1).